The following is an entry in ClinVar:

NM_002528.7(NTHL1):c.349C>T (p.Pro117Ser)

Gene: NTHL1 (nth like DNA glycosylase 1; minus strand). Cytogenetic location: 16p13.3.
Variant type: single nucleotide variant.
Coding change: c.349C>T on transcript NM_002528.7 (MANE Select); coding-DNA position 349, C replaced by T.
Protein change: p.Pro117Ser; replaces proline 117 with serine.
Molecular consequence: missense variant. On other transcripts: intron variant (1).
Genome position (GRCh38, 1-based): chr16:2,046,133, G>A on the plus strand (C>T on the coding strand, the complement: NTHL1 is on the minus strand). VCF-style: chr16-2046133-G-A. GRCh37 (hg19) VCF-style: chr16-2096134-G-A.
Other names: c.349C>T, p.Pro117Ser (LRG_1366t1, NM_001318193.2); c.24+147C>T (NM_001318194.2); short protein forms P117S.
Identifiers: ClinVar variation 641473 (VCV000641473.28), dbSNP rs149277519, ClinGen allele CA7828312.

ClinVar aggregate classification (germline): Uncertain significance. Review status: criteria provided, multiple submitters, no conflicts (2 of 4 stars). 7 submissions from 7 submitters: Uncertain significance (7). Last evaluated 2026-06-05.

Conditions:
Familial adenomatous polyposis 3. Also called: NTHL1 Tumor Syndrome; NTHL1-related attenuated familial adenomatous polyposis; NTHL1-associated polyposis; NTHL1-Related Adenomatous Polyposis and Colorectal Cancer. Identifiers: Orphanet 220460, Orphanet 454840, MedGen C4225157, MONDO:0014630, OMIM 616415.
Inherited polyposis and early onset colorectal cancer - germline testing.
NTHL1-related disorder. Also called: NTHL1-related conditions; NTHL1-related condition.
Hereditary cancer-predisposing syndrome. Also called: Neoplastic Syndromes, Hereditary; Tumor predisposition; Hereditary neoplastic syndrome; Hereditary Cancer Syndrome. Identifiers: Orphanet 140162, MedGen C0027672, MeSH D009386, MONDO:0015356.

Allele frequency attached by ClinVar (database versions not stated): TOPMed 0.00012; ESP Exome Variant Server 0.00031.
gnomAD v4.1: 182 of 1,611,780 alleles (0.011%); highest among the groups gnomAD compares: Non-Finnish European, 0.015%; no homozygotes.

Submissions (7):

Cambridge Genomics Laboratory, East Genomic Laboratory Hub, NHS Genomic Medicine Service
Classification: Uncertain significance for Inherited polyposis and early onset colorectal cancer - germline testing. Last evaluated: 2026-06-05. Review status: criteria provided, single submitter. Criteria: ACGS Best Practice Guidelines for Variant Classification in Rare Disease 2020. Collection method: clinical testing. Allele origin: germline. Affected: yes.
Comment: PM2_Supporting,PM3_Supporting

PreventionGenetics, part of Exact Sciences
Classification: Uncertain significance for NTHL1-related condition. Last evaluated: 2026-05-23. Review status: criteria provided, single submitter. Criteria: ACMG Guidelines, 2015. Collection method: clinical testing. Allele origin: germline.
Comment: The NTHL1 c.373C>T variant is predicted to result in the amino acid substitution p.Pro125Ser. This variant has been reported, along with a loss of function variant in NTHL1, in an individual presenting with colorectal cancer or polyposis (Table 2, P13, Boulouard et al. 2021. PubMed ID: 33454955). This variant is reported in 0.014% of alleles in individuals of European (Non-Finnish) descent in gnomAD and is interpreted as a variant of uncertain significance in ClinVar (Variation ID: 641473). At this time, the clinical significance of this variant is uncertain due to the absence of conclusive functional and genetic evidence.

Labcorp Genetics (formerly Invitae), Labcorp
Classification: Uncertain significance. Last evaluated: 2026-01-26. Review status: criteria provided, single submitter. Criteria: Invitae Variant Classification Sherloc (09022015). Collection method: clinical testing. Allele origin: germline.
Comment: This sequence change replaces proline, which is neutral and non-polar, with serine, which is neutral and polar, at codon 125 of the NTHL1 protein (p.Pro125Ser). This variant is present in population databases (rs149277519, gnomAD 0.01%). This missense change has been observed in individual(s) with NTHL1-related cancer (PMID: 33454955). ClinVar contains an entry for this variant (Variation ID: 641473). An algorithm developed to predict the effect of missense changes on protein structure and function (PolyPhen-2) suggests that this variant is likely to be tolerated. In summary, the available evidence is currently insufficient to determine the role of this variant in disease. Therefore, it has been classified as a Variant of Uncertain Significance.

Ambry Genetics
Classification: Uncertain significance for Hereditary cancer-predisposing syndrome. Last evaluated: 2025-09-16. Review status: criteria provided, single submitter. Criteria: Ambry Variant Classification Scheme 2023. Collection method: clinical testing. Allele origin: germline.
Comment: The p.P125S variant (also known as c.373C>T), located in coding exon 2 of the NTHL1 gene, results from a C to T substitution at nucleotide position 373. The proline at codon 125 is replaced by serine, an amino acid with similar properties. This amino acid position is well conserved in available vertebrate species. In addition, the in silico prediction for this alteration is inconclusive. Since supporting evidence is limited at this time, the clinical significance of this alteration remains unclear.

GeneDx
Classification: Uncertain significance. Last evaluated: 2024-11-01. Review status: criteria provided, single submitter. Criteria: GeneDx Variant Classification Process June 2021. Collection method: clinical testing. Allele origin: germline. Affected: yes.
Comment: Not observed at significant frequency in large population cohorts (gnomAD); In silico analysis supports that this missense variant has a deleterious effect on protein structure/function; Observed reportedly compound heterozygous with a pathogenic NTHL1 variant in a patient with multiple polyps (PMID: 33454955); This variant is associated with the following publications: (PMID: 33454955, 36969007)

Molecular Pathology, Peter Maccallum Cancer Centre
Classification: Uncertain significance for Familial adenomatous polyposis 3. Last evaluated: 2024-06-07. Review status: criteria provided, single submitter. Criteria: ACMG Guidelines, 2015. Collection method: clinical testing. Allele origin: germline. Inheritance: Autosomal recessive inheritance.

Baylor Genetics
Classification: Uncertain significance for Familial adenomatous polyposis 3. Last evaluated: 2024-03-24. Review status: criteria provided, single submitter. Criteria: ACMG Guidelines, 2015. Collection method: clinical testing. Allele origin: unknown.

Literature cited by the submitters: PubMed 33454955 (cited by Labcorp Genetics (formerly Invitae), Labcorp).